The following is an entry in ClinVar:

ClinVar aggregate classification (germline): Uncertain significance (1 of 4 stars; one submission).

Conditions:
Abortive cerebellar ataxia (BEHRS). Also called: Behr syndrome; OPTIC ATROPHY, INFANTILE HEREDITARY, WITH NEUROLOGIC ABNORMALITIES. Identifiers: Orphanet 1239, MedGen C0221061, MONDO:0008858, OMIM 210000.

Submission:

Broad Center for Mendelian Genomics, Broad Institute of MIT and Harvard
Classification: Uncertain significance for Abortive cerebellar ataxia. Last evaluated: 2024-11-22. Review status: criteria provided, single submitter. Criteria: ACMG Guidelines, 2015. Collection method: curation. Allele origin: germline. Inheritance: Autosomal recessive inheritance. Study: GREGoR Consortium.
Comment: The phase of these variants are unknown at this time. Trio exome analysis showed this variant to be de novo. The p.His782Arg variant in OPA1 has not been previously reported in the literature in individuals with Behr syndrome, and was absent from large population studies. Computational prediction tools and conservation analyses do not provide strong support for or against an impact to the protein. In summary, the clinical significance of the p.His782Arg variant is uncertain. ACMG/AMP Criteria applied: PS2_supporting, PM2_supporting (Richards 2015).

NM_130837.3(OPA1):c.2345A>G (p.His782Arg)

Gene: OPA1 (OPA1 mitochondrial dynamin like GTPase; plus strand). Cytogenetic location: 3q29.
Variant type: single nucleotide variant.
Coding change: c.2345A>G on transcript NM_130837.3 (MANE Select); coding-DNA position 2345, A replaced by G.
Protein change: p.His782Arg; replaces histidine 782 with arginine.
Molecular consequence: missense variant.
Genome position (GRCh38, 1-based): chr3:193,658,900, A>G. VCF-style: chr3-193658900-A-G. GRCh37 (hg19) VCF-style: chr3-193376689-A-G.
Other names: NM_130837.3:c.2345A>G; c.1811A>G, p.His604Arg (NM_001354663.2); c.1808A>G, p.His603Arg (NM_001354664.2); c.2180A>G, p.His727Arg (NM_015560.3); c.2072A>G, p.His691Arg (NM_130831.3); c.2126A>G, p.His709Arg (NM_130832.3); c.2183A>G, p.His728Arg (NM_130833.3); c.2234A>G, p.His745Arg (NM_130834.3); and 2 more; short protein forms H603R, H604R, H691R, H709R, H727R, H728R, H745R, H746R.
Identifiers: ClinVar variation 3383279 (VCV003383279.1).